The following is an entry in ClinVar:

ClinVar aggregate classification (germline): Likely pathogenic (1 of 4 stars; one submission).

Conditions:
Usher syndrome type 2A. Also called: RETINAL DISEASE IN USHER SYNDROME TYPE IIA, MODIFIER OF; USHER SYNDROME, TYPE IIA. Identifiers: Orphanet 231178, Orphanet 886, MedGen C1848634, MONDO:0010169, OMIM 276901.

Submission:

Human Genetics Bochum, Ruhr University Bochum
Classification: Likely pathogenic for Usher syndrome type 2A. Last evaluated: 2026-04-13. Review status: criteria provided, single submitter. Criteria: ACMG Guidelines, 2015. Collection method: clinical testing. Allele origin: germline. Affected: yes.
Comment: in compound heterozygous state with the variant c.13010C>T p.(Thr4337Met); ACMG criteria used to clasify this variant: PVS1, PM2_SUP

NM_206933.4(USH2A):c.3492dup (p.Val1165fs)

Genes: USH2A (usherin; minus strand), USH2A-AS1 (USH2A antisense RNA 1; plus strand). Cytogenetic location: 1q41.
Variant type: Duplication.
Coding change: c.3492dup on transcript NM_206933.4 (MANE Select); coding-DNA position 3492, one base duplicated (T; older notation c.3492dupT).
Protein change: p.Val1165fs; shifts the reading frame from valine 1165.
Molecular consequence: frameshift variant.
Genome position (GRCh38, 1-based): chr1:216,199,946, A duplicated on the plus strand (T on the coding strand, the reverse complement: USH2A is on the minus strand). VCF-style (leftmost placement, unchanged base first): chr1-216199945-C-CA. GRCh37 (hg19) VCF-style: chr1-216373287-C-CA.
Other names: c.3492dup, p.Val1165fs (NM_007123.6); short protein forms V1165fs.
Identifiers: ClinVar variation 4876766 (VCV004876766.1).